The following is an entry in ClinVar:

NM_000051.4(ATM):c.599C>G (p.Ser200Cys)

Gene: ATM (ATM serine/threonine kinase; plus strand). Cytogenetic location: 11q22.3.
Variant type: single nucleotide variant.
Coding change: c.599C>G on transcript NM_000051.4 (MANE Select); coding-DNA position 599, C replaced by G.
Protein change: p.Ser200Cys; replaces serine 200 with cysteine.
Molecular consequence: missense variant.
Genome position (GRCh38, 1-based): chr11:108,244,055, C>G. VCF-style: chr11-108244055-C-G. GRCh37 (hg19) VCF-style: chr11-108114782-C-G.
Other names: c.599C>G, p.Ser200Cys (NM_001351834.2); short protein forms S200C.
Identifiers: ClinVar variation 407497 (VCV000407497.10), dbSNP rs1060501562, ClinGen allele CA16613053.

ClinVar aggregate classification (germline): Uncertain significance. Review status: criteria provided, multiple submitters, no conflicts (2 of 4 stars). 2 submissions from 2 submitters: Uncertain significance (2). Last evaluated 2025-07-27.

Conditions:
Hereditary cancer-predisposing syndrome. Also called: Hereditary neoplastic syndrome; Neoplastic Syndromes, Hereditary; Tumor predisposition; Hereditary Cancer Syndrome. Identifiers: Orphanet 140162, MedGen C0027672, MeSH D009386, MONDO:0015356.
Ataxia-telangiectasia syndrome (AT). Also called: Ataxia telangiectasia (A-T); LOUIS-BAR SYNDROME; Cerebello-oculocutaneous telangiectasia; Immunodeficiency with ataxia telangiectasia; Ataxia-telangiectasia, complementation group D; AT, COMPLEMENTATION GROUP C. Identifiers: Orphanet 100, MedGen C0004135, MONDO:0008840, OMIM 208900.

Submissions (2):

Labcorp Genetics (formerly Invitae), Labcorp
Classification: Uncertain significance for Ataxia-telangiectasia syndrome. Last evaluated: 2025-07-27. Review status: criteria provided, single submitter. Criteria: Invitae Variant Classification Sherloc (09022015). Collection method: clinical testing. Allele origin: germline.
Comment: This sequence change replaces serine, which is neutral and polar, with cysteine, which is neutral and slightly polar, at codon 200 of the ATM protein (p.Ser200Cys). This variant is not present in population databases (gnomAD no frequency). This variant has not been reported in the literature in individuals affected with ATM-related conditions. ClinVar contains an entry for this variant (Variation ID: 407497). Invitae Evidence Modeling of protein sequence and biophysical properties (such as structural, functional, and spatial information, amino acid conservation, physicochemical variation, residue mobility, and thermodynamic stability) indicates that this missense variant is not expected to disrupt ATM protein function with a negative predictive value of 95%. In summary, the available evidence is currently insufficient to determine the role of this variant in disease. Therefore, it has been classified as a Variant of Uncertain Significance.

Ambry Genetics
Classification: Uncertain significance for Hereditary cancer-predisposing syndrome. Last evaluated: 2024-12-02. Review status: criteria provided, single submitter. Criteria: Ambry Variant Classification Scheme 2023. Collection method: clinical testing. Allele origin: germline.
Comment: The p.S200C variant (also known as c.599C>G), located in coding exon 5 of the ATM gene, results from a C to G substitution at nucleotide position 599. The serine at codon 200 is replaced by cysteine, an amino acid with dissimilar properties. This amino acid position is conserved. In addition, this alteration is predicted to be tolerated by in silico analysis. Based on the available evidence, the clinical significance of this variant remains unclear.